The following is an entry in ClinVar:

ClinVar aggregate classification (germline): Benign. Review status: criteria provided, single submitter (1 of 4 stars). 2 submissions from 1 submitter: Benign (2). Last evaluated 2018-01-13.

Conditions:
Chondrocalcinosis 2. Also called: CALCIUM GOUT; CALCIUM PYROPHOSPHATE ARTHROPATHY; Familial calcium pyrophosphate deposition. Identifiers: Orphanet 1416, MedGen C0856830, MONDO:0007319, OMIM 118600.
Craniometaphyseal dysplasia, autosomal dominant (CMDD). Identifiers: Orphanet 1522, MedGen C1852502, MONDO:0007397, OMIM 123000.

Allele frequency attached by ClinVar (database versions not stated): gnomAD 0.00083 and 0.00142; TOPMed 0.00120; gnomAD exomes 0.00149; 1000 Genomes Project 30x 0.00562; 1000 Genomes Project 0.00619.
gnomAD v4.1: 215 of 153,000 alleles (0.14%); highest among the groups gnomAD compares: East Asian, 3.1%; 8 homozygotes.

Submissions (2):

Illumina Laboratory Services, Illumina
Classification: Benign for Chondrocalcinosis 2. Last evaluated: 2018-01-13. Review status: criteria provided, single submitter. Criteria: ICSL Variant Classification Criteria 13 December 2019. Collection method: clinical testing. Allele origin: germline.
Comment: This variant was observed in the ICSL laboratory as part of a predisposition screen in an ostensibly healthy population. It had not been previously curated by ICSL or reported in the Human Gene Mutation Database (HGMD: prior to June 1st, 2018), and was therefore a candidate for classification through an automated scoring system. Utilizing variant allele frequency, disease prevalence and penetrance estimates, and inheritance mode, an automated score was calculated to assess if this variant is too frequent to cause the disease. Based on the score and internal cut-off values, a variant classified as benign is not then subjected to further curation. The score for this variant resulted in a classification of benign for this disease.

Illumina Laboratory Services, Illumina
Classification: Benign for Craniometaphyseal dysplasia, autosomal dominant. Last evaluated: 2018-01-13. Review status: criteria provided, single submitter. Criteria: ICSL Variant Classification Criteria 13 December 2019. Collection method: clinical testing. Allele origin: germline.
Comment: the same text as in the submission from Illumina Laboratory Services, Illumina above.

NM_054027.6(ANKH):c.*5459C>T

Genes: ANKH (ANKH inorganic pyrophosphate transport regulator; minus strand), OTULIN (OTU deubiquitinase with linear linkage specificity; plus strand). Cytogenetic location: 5p15.2.
Variant type: single nucleotide variant.
Coding change: c.*5459C>T on transcript NM_054027.6 (MANE Select); 5459 bases downstream of the stop codon, C replaced by T.
Molecular consequence: 3 prime UTR variant.
Genome position (GRCh38, 1-based): chr5:14,705,738, G>A on the plus strand (C>T on the coding strand, the complement: ANKH is on the minus strand). VCF-style: chr5-14705738-G-A. GRCh37 (hg19) VCF-style: chr5-14705847-G-A.
Identifiers: ClinVar variation 351405 (VCV000351405.5), dbSNP rs79739542, ClinGen allele CA10620448.